The following is an entry in ClinVar:

NM_000138.5(FBN1):c.4888del (p.Gln1630fs)

Gene: FBN1 (fibrillin 1; minus strand). Cytogenetic location: 15q21.1.
Variant type: Deletion.
Coding change: c.4888del on transcript NM_000138.5 (MANE Select); coding-DNA position 4888, one base deleted (C; older notation c.4888delC).
Protein change: p.Gln1630fs; shifts the reading frame from glutamine 1630.
Molecular consequence: frameshift variant.
Genome position (GRCh38, 1-based): chr15:48,465,622, G deleted on the plus strand (C on the coding strand, the reverse complement: FBN1 is on the minus strand); the first of 2 consecutive G bases (chr15:48,465,622-48,465,623); deleting either gives the same sequence. VCF-style (leftmost placement, unchanged base first): chr15-48465621-TG-T. GRCh37 (hg19) VCF-style: chr15-48757818-TG-T.
Other names: c.4888delC (NM_000138.4); short protein forms Q1630fs.
Identifiers: ClinVar variation 519728 (VCV000519728.5), dbSNP rs1555397000, ClinGen allele CA658798333.

ClinVar aggregate classification (germline): Pathogenic (1 of 4 stars; one submission).

Conditions:
Familial thoracic aortic aneurysm and aortic dissection (TAAD). Also called: Thoracic aortic aneurysms and dissections. Identifiers: Orphanet 91387, MedGen C4707243, MONDO:0019625.

Submission:

Ambry Genetics
Classification: Pathogenic for Familial thoracic aortic aneurysm and aortic dissection. Last evaluated: 2016-07-15. Review status: criteria provided, single submitter. Criteria: Ambry Variant Classification Scheme 2023. Collection method: clinical testing. Allele origin: germline.
Comment: The c.4888delC pathogenic mutation, located in coding exon 39 of the FBN1 gene, results from a deletion of one nucleotide at nucleotide position 4888, causing a translational frameshift with a predicted alternate stop codon (p.Q1630Sfs*10). This alteration is expected to result in loss of function by premature protein truncation or nonsense-mediated mRNA decay. As such, this alteration is interpreted as a disease-causing mutation.